The following is an entry in ClinVar:

ClinVar aggregate classification (germline): Pathogenic (1 of 4 stars; one submission).

Conditions:
Inborn genetic diseases. Identifiers: MedGen C0950123, MeSH D030342.

gnomAD v4.1: 1 of 1,613,964 alleles (0.000062%); highest among the groups gnomAD compares: Non-Finnish European, 0.000085%; no homozygotes.

Submission:

Ambry Genetics
Classification: Pathogenic for Inborn genetic diseases. Last evaluated: 2025-09-06. Review status: criteria provided, single submitter. Criteria: Ambry Variant Classification Scheme 2023. Collection method: clinical testing. Allele origin: germline.
Comment: The p.S255* variant (also known as c.764C>G), located in coding exon 3 of the MBD4 gene, results from a C to G substitution at nucleotide position 764. This variant is considered to be rare based on population cohorts in the Genome Aggregation Database (gnomAD). This changes the amino acid from a serine to a stop codon within coding exon 3. This alteration is expected to result in loss of function by premature protein truncation or nonsense-mediated mRNA decay. As such, this alteration is interpreted as a disease-causing mutation.

NM_001276270.2(MBD4):c.764C>G (p.Ser255Ter)

Gene: MBD4 (methyl-CpG binding domain 4, DNA glycosylase; minus strand). Cytogenetic location: 3q21.3.
Variant type: single nucleotide variant.
Coding change: c.764C>G on transcript NM_001276270.2 (MANE Select); coding-DNA position 764, C replaced by G.
Protein change: p.Ser255Ter; replaces serine 255 with a stop codon.
Molecular consequence: nonsense. On other transcripts: intron variant (1).
Genome position (GRCh38, 1-based): chr3:129,436,880, G>C on the plus strand (C>G on the coding strand, the complement: MBD4 is on the minus strand). VCF-style: chr3-129436880-G-C. GRCh37 (hg19) VCF-style: chr3-129155723-G-C.
Other names: c.764C>G, p.Ser255Ter (NM_001276271.2, NM_001276272.2, NM_003925.3); c.247+928C>G (NM_001276273.2); short protein forms S255*.
Identifiers: ClinVar variation 4104667 (VCV004104667.1).